The following is an entry in ClinVar:

NM_001366145.2(TRPM3):c.973+16631C>T

Gene: TRPM3 (transient receptor potential cation channel subfamily M member 3; minus strand). Cytogenetic location: 9q21.12.
Variant type: single nucleotide variant.
Coding change: c.973+16631C>T on transcript NM_001366145.2 (MANE Select); 16631 bases into the intron after coding-DNA position 973, C replaced by T.
Molecular consequence: intron variant. On other transcripts: synonymous variant (6).
Genome position (GRCh38, 1-based): chr9:70,811,216, G>A on the plus strand (C>T on the coding strand, the complement: TRPM3 is on the minus strand). VCF-style: chr9-70811216-G-A. GRCh37 (hg19) VCF-style: chr9-73426132-G-A.
Other names: c.543C>T, p.Ser181= (NM_001007470.3, NM_206946.5, NM_206947.5); c.1002C>T, p.Ser334= (NM_001366147.2, NM_001366148.2, NM_001366152.2); c.979+16631C>T (NM_001366143.2, NM_001366141.2, NM_001366142.2 and 1 more transcripts); c.973+16631C>T (NM_001366150.2, NM_001366151.2, NM_001007471.4 and 3 more transcripts); c.514+16631C>T (NM_206944.5, NM_020952.6, NM_206945.5 and 3 more transcripts).
Identifiers: ClinVar variation 3035366 (VCV003035366.11), dbSNP rs139374950, ClinGen allele CA5078800.

ClinVar aggregate classification (germline): Likely benign. Review status: criteria provided, multiple submitters, no conflicts (2 of 4 stars). 3 submissions from 3 submitters: Likely benign (2). 1 of the submissions does not count toward it. Last evaluated 2026-03-01.

Conditions:
TRPM3-related disorder. Also called: TRPM3-related condition.

Allele frequency attached by ClinVar (database versions not stated): 1000 Genomes Project 0.00020; gnomAD 0.00025; TOPMed 0.00028; 1000 Genomes Project 30x 0.00031; gnomAD exomes 0.00034; ESP Exome Variant Server 0.00038; ExAC 0.00072.
gnomAD v4.1: 581 of 1,611,546 alleles (0.036%); highest among the groups gnomAD compares: Middle Eastern, 1.7%; 8 homozygotes.

Submissions (3):

CeGaT Center for Human Genetics Tuebingen
Classification: Likely benign. Last evaluated: 2026-03-01. Review status: criteria provided, single submitter. Criteria: CeGaT Center For Human Genetics Tuebingen Variant Classification Criteria Version 2. Collection method: clinical testing. Allele origin: germline. Affected: yes. Observed: 3 variant alleles.
Comment: TRPM3: BP4, BS1

Blueprint Genetics
Classification: Likely benign. Last evaluated: 2024-11-25. Review status: criteria provided, single submitter. Criteria: ACMG Guidelines, 2015. Collection method: clinical testing. Allele origin: germline.

PreventionGenetics, part of Exact Sciences
Classification: Likely benign for TRPM3-related condition. Last evaluated: 2019-02-28. Review status: no assertion criteria provided. Collection method: clinical testing. Allele origin: germline. Not counted in ClinVar's aggregate classification.
Comment: This variant is classified as likely benign based on ACMG/AMP sequence variant interpretation guidelines (Richards et al. 2015 PMID: 25741868, with internal and published modifications).